The following is an entry in ClinVar:

ClinVar aggregate classification (germline): Likely pathogenic (1 of 4 stars; one submission).

Conditions:
Hereditary spastic paraplegia 15 (SPG15). Also called: SPASTIC PARAPLEGIA 15, AUTOSOMAL RECESSIVE; KJELLIN SYNDROME; SPASTIC PARAPLEGIA AND RETINAL DEGENERATION. Identifiers: Orphanet 100996, MedGen C1849128, MONDO:0010044, OMIM 270700.

Submission:

Myriad Genetics, Inc.
Classification: Likely pathogenic for Hereditary spastic paraplegia 15. Last evaluated: 2022-03-30. Review status: criteria provided, single submitter. Criteria: Myriad Women's Health Autosomal Recessive and X-Linked Classification Criteria (2021). Collection method: clinical testing. Allele origin: unknown.
Comment: NM_015346.3(ZFYVE26):c.3119_3120delCA(S1040Cfs*23) is expected to be pathogenic in the context of spastic paraplegia type 15. This variant is predicted to lead to an abnormal or absent protein product due to the creation of a premature termination codon in ZFYVE26, a gene where loss-of-function variants are known to be pathogenic. Please note: this variant was assessed in the context of healthy population screening.

NM_015346.4(ZFYVE26):c.3119_3120del (p.Ser1040fs)

Gene: ZFYVE26 (zinc finger FYVE-type containing 26; minus strand). Cytogenetic location: 14q24.1.
Variant type: Deletion.
Coding change: c.3119_3120del on transcript NM_015346.4 (MANE Select); coding-DNA positions 3119 to 3120, 2 bases deleted (CA; older notation c.3119_3120delCA).
Protein change: p.Ser1040fs; shifts the reading frame from serine 1040.
Molecular consequence: frameshift variant.
Genome position (GRCh38, 1-based): chr14:67,786,133-67,786,134, TG deleted on the plus strand (CA on the coding strand, the reverse complement: ZFYVE26 is on the minus strand). VCF-style (leftmost placement, unchanged base first): chr14-67786132-CTG-C. GRCh37 (hg19) VCF-style: chr14-68252849-CTG-C.
Other names: short protein forms S1040fs.
Identifiers: ClinVar variation 1725552 (VCV001725552.2), dbSNP rs2502818254, ClinGen allele CA2580088644.
Genomic context (GRCh38, chr14:67,786,132, plus strand): 5'-TGTTCCAAGTCCAGGAGAAGAAAAGAGAAAAAAGCAACTCACCTGATTTGGTTTGACTGG[CTG>C]ACATAAGCAGATAATTGAGACTCTTACTGATTTGCTGAAGAACAACTGGAAAACCTCGAA-3'